The following is an entry in ClinVar:

ClinVar aggregate classification (germline): Pathogenic (1 of 4 stars; one submission).

Conditions:
Familial adenomatous polyposis 1 (FAP1). Also called: FAMILIAL ADENOMATOUS POLYPOSIS 1, ATTENUATED; POLYPOSIS, ADENOMATOUS INTESTINAL. Identifiers: MedGen C2713442, MONDO:0021056, OMIM 175100. Disease mechanism: loss of function.

Submission:

Myriad Genetics, Inc.
Classification: Pathogenic for Familial adenomatous polyposis 1. Last evaluated: 2023-05-05. Review status: criteria provided, single submitter. Criteria: Myriad Autosomal Dominant, Autosomal Recessive and X-Linked Classification Criteria (2023). Collection method: clinical testing. Allele origin: unknown.
Comment: This variant is considered pathogenic. This variant creates a termination codon and is predicted to result in premature protein truncation.

NM_000038.6(APC):c.3175G>T (p.Glu1059Ter)

Gene: APC (APC regulator of Wnt signaling pathway; plus strand). Cytogenetic location: 5q22.2.
Variant type: single nucleotide variant.
Coding change: c.3175G>T on transcript NM_000038.6 (MANE Select); coding-DNA position 3175, G replaced by T.
Protein change: p.Glu1059Ter; replaces glutamic acid 1059 with a stop codon.
Molecular consequence: nonsense. On other transcripts: non-coding transcript variant (2).
Genome position (GRCh38, 1-based): chr5:112,838,769, G>T. VCF-style: chr5-112838769-G-T. GRCh37 (hg19) VCF-style: chr5-112174466-G-T.
Other names: c.3175G>T, p.Glu1059Ter (NM_001407450.1, NM_001127510.3, NM_001354895.2); c.3154G>T, p.Glu1052Ter (NM_001407451.1); c.3145G>T, p.Glu1049Ter (NM_001407452.1); c.2998G>T, p.Glu1000Ter (NM_001407453.1, NM_001354901.2); c.2926G>T, p.Glu976Ter (NM_001407456.1, NM_001407454.1, NM_001407455.1 and 1 more transcripts); c.3121G>T, p.Glu1041Ter (NM_001127511.3); c.3229G>T, p.Glu1077Ter (NM_001354896.2, NM_001407447.1, NM_001407448.1 and 1 more transcripts); c.3205G>T, p.Glu1069Ter (NM_001354897.2); and 11 more; short protein forms E1000*, E1018*, E1031*, E1034*, E1041*, E1049*, E1052*, E1059*.
Identifiers: ClinVar variation 2584018 (VCV002584018.2), dbSNP rs1253882360, ClinGen allele CA16028292.